The following is an entry in ClinVar:

NM_001386140.1(MTTP):c.1237-4A>G

Gene: MTTP (microsomal triglyceride transfer protein; plus strand). Cytogenetic location: 4q23.
Variant type: single nucleotide variant.
Coding change: c.1237-4A>G on transcript NM_001386140.1 (MANE Select); 4 bases into the intron before coding-DNA position 1237, A replaced by G.
Molecular consequence: intron variant.
Genome position (GRCh38, 1-based): chr4:99,601,603, A>G. VCF-style: chr4-99601603-A-G. GRCh37 (hg19) VCF-style: chr4-100522760-A-G.
Other names: c.1237-4A>G (NM_000253.4); c.988-4A>G (NM_001300785.2).
Identifiers: ClinVar variation 2023391 (VCV002023391.2), dbSNP rs2476126162, ClinGen allele CA2580071919.

ClinVar aggregate classification (germline): Uncertain significance (1 of 4 stars; one submission).

Submission:

Labcorp Genetics (formerly Invitae), Labcorp
Classification: Uncertain significance. Last evaluated: 2022-04-07. Review status: criteria provided, single submitter. Criteria: Invitae Variant Classification Sherloc (09022015). Collection method: clinical testing. Allele origin: germline.
Comment: This sequence change falls in intron 10 of the MTTP gene. It does not directly change the encoded amino acid sequence of the MTTP protein. This variant is not present in population databases (gnomAD no frequency). This variant has not been reported in the literature in individuals affected with MTTP-related conditions. Algorithms developed to predict the effect of sequence changes on RNA splicing suggest that this variant may disrupt the consensus splice site. In summary, the available evidence is currently insufficient to determine the role of this variant in disease. Therefore, it has been classified as a Variant of Uncertain Significance.